The following is an entry in ClinVar:

NM_021076.4(NEFH):c.2137A>T (p.Lys713Ter)

Gene: NEFH (neurofilament heavy chain; plus strand). Cytogenetic location: 22q12.2.
Variant type: single nucleotide variant.
Coding change: c.2137A>T on transcript NM_021076.4 (MANE Select); coding-DNA position 2137, A replaced by T.
Protein change: p.Lys713Ter; replaces lysine 713 with a stop codon.
Molecular consequence: nonsense.
Genome position (GRCh38, 1-based): chr22:29,489,777, A>T. VCF-style: chr22-29489777-A-T. GRCh37 (hg19) VCF-style: chr22-29885766-A-T.
Other names: short protein forms K713*.
Identifiers: ClinVar variation 1523735 (VCV001523735.8), dbSNP rs2146400668, ClinGen allele CA411136045.

ClinVar aggregate classification (germline): Uncertain significance (1 of 4 stars; one submission).

Submission:

Labcorp Genetics (formerly Invitae), Labcorp
Classification: Uncertain significance. Last evaluated: 2021-04-06. Review status: criteria provided, single submitter. Criteria: Invitae Variant Classification Sherloc (09022015). Collection method: clinical testing. Allele origin: germline.
Comment: Experimental studies and prediction algorithms are not available or were not evaluated, and the functional significance of this variant is currently unknown. In summary, the available evidence is currently insufficient to determine the role of this variant in disease. Therefore, it has been classified as a Variant of Uncertain Significance. This variant has not been reported in the literature in individuals with NEFH-related conditions. This variant is not present in population databases (ExAC no frequency). This sequence change creates a premature translational stop signal (p.Lys713*) in the NEFH gene. While this is not anticipated to result in nonsense mediated decay, it is expected to disrupt the last 308 amino acid(s) of the NEFH protein.